The following is an entry in ClinVar:

NM_000404.4(GLB1):c.697C>A (p.Leu233Met)

Gene: GLB1 (galactosidase beta 1; minus strand). Cytogenetic location: 3p22.3.
Variant type: single nucleotide variant.
Coding change: c.697C>A on transcript NM_000404.4 (MANE Select); coding-DNA position 697, C replaced by A.
Protein change: p.Leu233Met; replaces leucine 233 with methionine.
Molecular consequence: missense variant. On other transcripts: intron variant (1).
Genome position (GRCh38, 1-based): chr3:33,058,125, G>T on the plus strand (C>A on the coding strand, the complement: GLB1 is on the minus strand). VCF-style: chr3-33058125-G-T. GRCh37 (hg19) VCF-style: chr3-33099617-G-T.
Other names: c.607C>A, p.Leu203Met (NM_001079811.3); c.841C>A, p.Leu281Met (NM_001317040.2); c.697C>A, p.Leu233Met (NM_001393580.1); c.341-4576C>A (NM_001135602.3); short protein forms L203M, L233M, L281M.
Identifiers: ClinVar variation 2082728 (VCV002082728.1), dbSNP rs751275184, ClinGen allele CA2299631.

ClinVar aggregate classification (germline): Uncertain significance (1 of 4 stars; one submission).

Conditions:
GM1 gangliosidosis. Identifiers: Orphanet 354, MedGen C0085131, MONDO:0018149.
Mucopolysaccharidosis, MPS-IV-B (MPS4B). Also called: MORQUIO SYNDROME B; Mucopolysaccharidosis Type IVB (Morquio B Disease); Mucopolysaccharidosis type IV B; Mucopolysaccharidosis Type IVB; Mucopolysaccharidosis type 4B; Mucopolysaccharidosis type IVB (Morquio). Identifiers: Orphanet 309310, Orphanet 582, MedGen C0086652, MONDO:0009660, OMIM 253010.

Allele frequency attached by ClinVar (database versions not stated): TOPMed 0.00001; gnomAD 0.00003; ExAC 0.00004.
gnomAD v4.1: 23 of 1,614,002 alleles (0.0014%); highest among the groups gnomAD compares: Non-Finnish European, 0.0019%; no homozygotes.

Submission:

Labcorp Genetics (formerly Invitae), Labcorp
Classification: Uncertain significance for Mucopolysaccharidosis, MPS-IV-B; GM1 gangliosidosis. Last evaluated: 2022-05-30. Review status: criteria provided, single submitter. Criteria: Invitae Variant Classification Sherloc (09022015). Collection method: clinical testing. Allele origin: germline.
Comment: This sequence change replaces leucine, which is neutral and non-polar, with methionine, which is neutral and non-polar, at codon 233 of the GLB1 protein (p.Leu233Met). This variant is present in population databases (rs751275184, gnomAD 0.005%). This variant has not been reported in the literature in individuals affected with GLB1-related conditions. Advanced modeling of protein sequence and biophysical properties (such as structural, functional, and spatial information, amino acid conservation, physicochemical variation, residue mobility, and thermodynamic stability) performed at Invitae indicates that this missense variant is expected to disrupt GLB1 protein function. In summary, the available evidence is currently insufficient to determine the role of this variant in disease. Therefore, it has been classified as a Variant of Uncertain Significance.